The following is an entry in ClinVar:

NM_133642.5(LARGE1):c.1451+12G>A

Gene: LARGE1 (LARGE xylosyl- and glucuronyltransferase 1; minus strand). Cytogenetic location: 22q12.3.
Variant type: single nucleotide variant.
Coding change: c.1451+12G>A on transcript NM_133642.5 (MANE Select); 12 bases into the intron after coding-DNA position 1451, G replaced by A.
Molecular consequence: intron variant.
Genome position (GRCh38, 1-based): chr22:33,316,073, C>T on the plus strand (G>A on the coding strand, the complement: LARGE1 is on the minus strand). VCF-style: chr22-33316073-C-T. GRCh37 (hg19) VCF-style: chr22-33712059-C-T.
Other names: c.1451+12G>A (NM_001362953.2, NM_001362949.2, NM_001378627.1 and 6 more transcripts); c.1295+12G>A (NM_001378629.1); c.692+12G>A (NM_001378631.1); c.848+12G>A (NM_001378630.1).
Identifiers: ClinVar variation 512474 (VCV000512474.9), dbSNP rs1029660389, ClinGen allele CA323713124.

ClinVar aggregate classification (germline): Likely benign. Review status: criteria provided, multiple submitters, no conflicts (2 of 4 stars). 2 submissions from 2 submitters: Likely benign (2). Last evaluated 2025-08-10.

Conditions:
Muscular dystrophy-dystroglycanopathy type B6 (MDDGB6). Also called: MUSCULAR DYSTROPHY, CONGENITAL, LARGE-RELATED; MUSCULAR DYSTROPHY, CONGENITAL, TYPE 1D; MUSCULAR DYSTROPHY-DYSTROGLYCANOPATHY (CONGENITAL WITH IMPAIRED INTELLECTUAL DEVELOPMENT), TYPE B, 6. Identifiers: MedGen C1837229, MONDO:0012138, OMIM 608840.

Allele frequency attached by ClinVar (database versions not stated): gnomAD 0.00001 and 0.00003; gnomAD exomes 0.00001; TOPMed 0.00002.
gnomAD v4.1: 11 of 1,613,014 alleles (0.00068%); highest among the groups gnomAD compares: African/African-American, 0.0053%; no homozygotes.

Submissions (2):

Labcorp Genetics (formerly Invitae), Labcorp
Classification: Likely benign for Muscular dystrophy-dystroglycanopathy type B6. Last evaluated: 2025-08-10. Review status: criteria provided, single submitter. Criteria: Invitae Variant Classification Sherloc (09022015). Collection method: clinical testing. Allele origin: germline.

GeneDx
Classification: Likely benign. Last evaluated: 2017-10-03. Review status: criteria provided, single submitter. Criteria: GeneDx Variant Classification (06012015). Collection method: clinical testing. Allele origin: germline. Affected: yes.
Comment: This variant is considered likely benign or benign based on one or more of the following criteria: it is a conservative change, it occurs at a poorly conserved position in the protein, it is predicted to be benign by multiple in silico algorithms, and/or has population frequency not consistent with disease.